The following is an entry in ClinVar:

NM_000419.5(ITGA2B):c.1551C>A (p.Asn517Lys)

Gene: ITGA2B (integrin subunit alpha 2b; minus strand). Cytogenetic location: 17q21.31.
Variant type: single nucleotide variant.
Coding change: c.1551C>A on transcript NM_000419.5 (MANE Select); coding-DNA position 1551, C replaced by A.
Protein change: p.Asn517Lys; replaces asparagine 517 with lysine.
Molecular consequence: missense variant.
Genome position (GRCh38, 1-based): chr17:44,380,295, G>T on the plus strand (C>A on the coding strand, the complement: ITGA2B is on the minus strand). VCF-style: chr17-44380295-G-T. GRCh37 (hg19) VCF-style: chr17-42457663-G-T.
Other names: short protein forms N517K.
Identifiers: ClinVar variation 2828956 (VCV002828956.3), dbSNP rs2510079595, ClinGen allele CA399802567.

ClinVar aggregate classification (germline): Uncertain significance (1 of 4 stars; one submission).

Conditions:
Glanzmann thrombasthenia. Also called: PLATELET GLYCOPROTEIN IIb-IIIa DEFICIENCY; BLEEDING DISORDER, PLATELET-TYPE, 2; THROMBASTHENIA OF GLANZMANN AND NAEGELI; Thrombasthenia; Glanzmann's thrombasthenia. Identifiers: Orphanet 849, MedGen C0040015, MONDO:0100326.

Submission:

Labcorp Genetics (formerly Invitae), Labcorp
Classification: Uncertain significance for Glanzmann thrombasthenia. Last evaluated: 2023-01-22. Review status: criteria provided, single submitter. Criteria: Invitae Variant Classification Sherloc (09022015). Collection method: clinical testing. Allele origin: germline.
Comment: This sequence change replaces asparagine, which is neutral and polar, with lysine, which is basic and polar, at codon 517 of the ITGA2B protein (p.Asn517Lys). In summary, the available evidence is currently insufficient to determine the role of this variant in disease. Therefore, it has been classified as a Variant of Uncertain Significance. Advanced modeling of protein sequence and biophysical properties (such as structural, functional, and spatial information, amino acid conservation, physicochemical variation, residue mobility, and thermodynamic stability) performed at Invitae indicates that this missense variant is not expected to disrupt ITGA2B protein function. This variant has not been reported in the literature in individuals affected with ITGA2B-related conditions. This variant is not present in population databases (gnomAD no frequency).